The following is an entry in ClinVar:

NM_001184900.3(CARD8):c.1540C>G (p.Leu514Val)

Gene: CARD8 (caspase recruitment domain family member 8; minus strand). Cytogenetic location: 19q13.33.
Variant type: single nucleotide variant.
Coding change: c.1540C>G on transcript NM_001184900.3 (MANE Select); coding-DNA position 1540, C replaced by G.
Protein change: p.Leu514Val; replaces leucine 514 with valine.
Molecular consequence: missense variant. On other transcripts: 3 prime UTR variant (7), non-coding transcript variant (3), intron variant (1).
Genome position (GRCh38, 1-based): chr19:48,211,784, G>C on the plus strand (C>G on the coding strand, the complement: CARD8 is on the minus strand). VCF-style: chr19-48211784-G-C. GRCh37 (hg19) VCF-style: chr19-48715041-G-C.
Other names: c.1390C>G, p.Leu464Val (NM_001184901.1, NM_001351783.2, NM_014959.5); c.*219C>G (NM_001184902.2, NM_001184903.1, NM_001351788.2 and 4 more transcripts); c.1540C>G, p.Leu514Val (NM_001351782.2); c.1225C>G, p.Leu409Val (NM_001351784.2); c.1204C>G, p.Leu402Val (NM_001351786.2); c.1222C>G, p.Leu408Val (NM_001365950.1); c.1033+3556C>G (NM_001351787.2); short protein forms L408V, L409V, L402V, L464V, L514V.
Identifiers: ClinVar variation 3485000 (VCV003485000.2).

ClinVar aggregate classification (germline): Uncertain significance. Review status: criteria provided, multiple submitters, no conflicts (2 of 4 stars). 2 submissions from 2 submitters: Uncertain significance (2). Last evaluated 2025-09-15.

gnomAD v4.1: 15 of 1,614,134 alleles (0.00093%); highest among the groups gnomAD compares: Non-Finnish European, 0.0013%; no homozygotes.

Submissions (2):

Labcorp Genetics (formerly Invitae), Labcorp
Classification: Uncertain significance. Last evaluated: 2025-09-15. Review status: criteria provided, single submitter. Criteria: Invitae Variant Classification Sherloc (09022015). Collection method: clinical testing. Allele origin: germline.
Comment: This sequence change replaces leucine, which is neutral and non-polar, with valine, which is neutral and non-polar, at codon 464 of the CARD8 protein (p.Leu464Val). This variant is not present in population databases (gnomAD no frequency). This variant has not been reported in the literature in individuals affected with CARD8-related conditions. ClinVar contains an entry for this variant (Variation ID: 3485000). An algorithm developed to predict the effect of missense changes on protein structure and function (PolyPhen-2) suggests that this variant is likely to be disruptive. In summary, the available evidence is currently insufficient to determine the role of this variant in disease. Therefore, it has been classified as a Variant of Uncertain Significance.

Ambry Genetics
Classification: Uncertain significance. Last evaluated: 2024-12-06. Review status: criteria provided, single submitter. Criteria: Ambry Variant Classification Scheme 2023. Collection method: clinical testing. Allele origin: germline.